The following is an entry in ClinVar:

NM_024577.4(SH3TC2):c.11G>T (p.Cys4Phe)

Gene: SH3TC2 (SH3 domain and tetratricopeptide repeats 2; minus strand). Cytogenetic location: 5q32.
Variant type: single nucleotide variant.
Coding change: c.11G>T on transcript NM_024577.4 (MANE Select); coding-DNA position 11, G replaced by T.
Protein change: p.Cys4Phe; replaces cysteine 4 with phenylalanine.
Molecular consequence: missense variant.
Genome position (GRCh38, 1-based): chr5:149,063,012, C>A on the plus strand (G>T on the coding strand, the complement: SH3TC2 is on the minus strand). VCF-style: chr5-149063012-C-A. GRCh37 (hg19) VCF-style: chr5-148442575-C-A.
Other names: short protein forms C4F.
Identifiers: ClinVar variation 578734 (VCV000578734.11), dbSNP rs562967549, ClinGen allele CA3499704.
Genomic context (GRCh38, chr5:149,063,012, plus strand): 5'-GGCCCCCTGGGAAACTCACCTGGGCCCCGGGTCAGACTCCGCTCCCTGGGGATGCAGAAG[C>A]AGCCACCCATGTGTGTACCATCCTACCCTGGCCGAGGCCCTTGGGAACACAGGCCAGAAG-3'
Protein context (NP_078853.2, residues 1-14): MGG[Cys4Phe]FCIPRERSLT

ClinVar aggregate classification (germline): Uncertain significance (1 of 4 stars; one submission).

Conditions:
Charcot-Marie-Tooth disease type 4. Also called: Charcot-Marie-Tooth, Type 4; Charcot-Marie-Tooth disease, type IV. Identifiers: Orphanet 64749, MedGen C4082197, MONDO:0018995.

Allele frequency attached by ClinVar (database versions not stated): gnomAD 0.00001; gnomAD exomes 0.00001; TOPMed 0.00001; ExAC 0.00002; 1000 Genomes Project 30x 0.00016; 1000 Genomes Project 0.00020.
gnomAD v4.1: 9 of 1,601,176 alleles (0.00056%); highest among the groups gnomAD compares: East Asian, 0.0022%; no homozygotes.

Submission:

Labcorp Genetics (formerly Invitae), Labcorp
Classification: Uncertain significance for Charcot-Marie-Tooth disease type 4. Last evaluated: 2025-05-05. Review status: criteria provided, single submitter. Criteria: Invitae Variant Classification Sherloc (09022015). Collection method: clinical testing. Allele origin: germline.
Comment: This sequence change replaces cysteine, which is neutral and slightly polar, with phenylalanine, which is neutral and non-polar, at codon 4 of the SH3TC2 protein (p.Cys4Phe). The frequency data for this variant in the population databases is considered unreliable, as metrics indicate poor data quality at this position in the gnomAD database. This variant has not been reported in the literature in individuals affected with SH3TC2-related conditions. ClinVar contains an entry for this variant (Variation ID: 578734). Invitae Evidence Modeling of protein sequence and biophysical properties (such as structural, functional, and spatial information, amino acid conservation, physicochemical variation, residue mobility, and thermodynamic stability) indicates that this missense variant is not expected to disrupt SH3TC2 protein function with a negative predictive value of 95%. In summary, the available evidence is currently insufficient to determine the role of this variant in disease. Therefore, it has been classified as a Variant of Uncertain Significance.